The following is an entry in ClinVar:

ClinVar aggregate classification (germline): Uncertain significance (1 of 4 stars; one submission).

Conditions:
Ataxia-telangiectasia syndrome (AT). Also called: ATAXIA-TELANGIECTASIA, COMPLEMENTATION GROUP A; ATAXIA-TELANGIECTASIA, FRESNO VARIANT; LOUIS-BAR SYNDROME; Ataxia-telangiectasia, complementation group D; Ataxia-telangiectasia, complementation group E; Cerebello-oculocutaneous telangiectasia. Identifiers: Orphanet 100, MedGen C0004135, MONDO:0008840, OMIM 208900.

Submission:

Labcorp Genetics (formerly Invitae), Labcorp
Classification: Uncertain significance for Ataxia-telangiectasia syndrome. Last evaluated: 2024-03-14. Review status: criteria provided, single submitter. Criteria: Invitae Variant Classification Sherloc (09022015). Collection method: clinical testing. Allele origin: germline.
Comment: This sequence change falls in intron 8 of the ATM gene. It does not directly change the encoded amino acid sequence of the ATM protein. This variant is not present in population databases (gnomAD no frequency). This variant has not been reported in the literature in individuals affected with ATM-related conditions. Experimental studies and prediction algorithms are not available or were not evaluated, and the effect of this variant on mRNA splicing is currently unknown. In summary, the available evidence is currently insufficient to determine the role of this variant in disease. Therefore, it has been classified as a Variant of Uncertain Significance.

NM_000051.4(ATM):c.1065+13_1065+14insAAATTTAGAATTTTA

Gene: ATM (ATM serine/threonine kinase; plus strand). Cytogenetic location: 11q22.3.
Variant type: Insertion.
Coding change: c.1065+13_1065+14insAAATTTAGAATTTTA on transcript NM_000051.4 (MANE Select); bases 13 to 14 of the intron after coding-DNA position 1065, AAATTTAGAATTTTA inserted.
Molecular consequence: intron variant.
Genome position: GRCh38 VCF-style: chr11-108247140-G-GAAATTTAGAATTTTA. GRCh37 (hg19) VCF-style: chr11-108117867-G-GAAATTTAGAATTTTA.
Other names: c.1065+13_1065+14insAAATTTAGAATTTTA (NM_001351834.2).
Identifiers: ClinVar variation 3645943 (VCV003645943.2).